The following is an entry in ClinVar:

ClinVar aggregate classification (germline): Uncertain significance (1 of 4 stars; one submission).

Conditions:
Inborn genetic diseases. Identifiers: MedGen C0950123, MeSH D030342.

Submission:

Ambry Genetics
Classification: Uncertain significance for Inborn genetic diseases. Last evaluated: 2026-08-10. Review status: criteria provided, single submitter. Criteria: Ambry Variant Classification Scheme 2023. Collection method: clinical testing. Allele origin: germline.
Comment: The p.D430H variant (also known as c.1288G>C), located in coding exon 9 of the MIB1 gene, results from a G to C substitution at nucleotide position 1288. The aspartic acid at codon 430 is replaced by histidine, an amino acid with similar properties. This amino acid position is conserved. In addition, the in silico prediction for this alteration is inconclusive. Based on the available evidence, the clinical significance of this variant remains unclear.

NM_020774.4(MIB1):c.1288G>C (p.Asp430His)

Gene: MIB1 (MIB E3 ubiquitin protein ligase 1; plus strand). Cytogenetic location: 18q11.2.
Variant type: single nucleotide variant.
Coding change: c.1288G>C on transcript NM_020774.4 (MANE Select); coding-DNA position 1288, G replaced by C.
Protein change: p.Asp430His; replaces aspartic acid 430 with histidine.
Molecular consequence: missense variant.
Genome position (GRCh38, 1-based): chr18:21,799,891, G>C. VCF-style: chr18-21799891-G-C. GRCh37 (hg19) VCF-style: chr18-19379852-G-C.
Other names: short protein forms D430H.
Identifiers: ClinVar variation 5024454 (VCV005024454.1).
Genomic context (GRCh38, chr18:21,799,891, plus strand): 5'-TGCTTTACAGAAAGACTCTCACAACTCCTGAAGAAATTATTTGAAACCCAAGAATCTGGT[G>C]ACCTCAATGAAGAATTAGTTAAGGCTGCTGCCAATGGAGATGTTGCTAAAGTGGAAGATT-3'
Protein context (NP_065825.1, residues 420-440): KKLFETQESG[Asp430His]LNEELVKAAA